The following is an entry in ClinVar:

NM_024422.6(DSC2):c.976C>G (p.Gln326Glu)

Gene: DSC2 (desmocollin 2; minus strand). Cytogenetic location: 18q12.1.
Variant type: single nucleotide variant.
Coding change: c.976C>G on transcript NM_024422.6 (MANE Select); coding-DNA position 976, C replaced by G.
Protein change: p.Gln326Glu; replaces glutamine 326 with glutamic acid.
Molecular consequence: missense variant.
Genome position (GRCh38, 1-based): chr18:31,083,027, G>C on the plus strand (C>G on the coding strand, the complement: DSC2 is on the minus strand). VCF-style: chr18-31083027-G-C. GRCh37 (hg19) VCF-style: chr18-28662993-G-C.
Other names: c.547C>G, p.Gln183Glu (NM_001406506.1, NM_001406507.1); c.976C>G, p.Gln326Glu (NM_004949.5); short protein forms Q183E, Q326E.
Identifiers: ClinVar variation 3070380 (VCV003070380.1), dbSNP rs2510948997, ClinGen allele CA402110898.

ClinVar aggregate classification (germline): Uncertain significance (1 of 4 stars; one submission).

Conditions:
Familial isolated arrhythmogenic right ventricular dysplasia. Identifiers: Orphanet 217656, MedGen C4274968, MONDO:0016342.

Submission:

All of Us Research Program, National Institutes of Health
Classification: Uncertain significance for Familial isolated arrhythmogenic right ventricular dysplasia. Last evaluated: 2023-04-10. Review status: criteria provided, single submitter. Criteria: ACMG Guidelines, 2015. Collection method: clinical testing. Allele origin: germline. Inheritance: Autosomal dominant inheritance. Observed: 1 variant allele, 1 heterozygote.
Comment: This missense variant replaces glutamine with glutamic acid at codon 326 of the DSC2 protein. Computational prediction suggests that this variant may not impact protein structure and function (internally defined REVEL score threshold <= 0.5, PMID: 27666373). To our knowledge, functional studies have not been reported for this variant. This variant has not been reported in individuals affected with DSC2-related disorders in the literature. This variant has not been identified in the general population by the Genome Aggregation Database (gnomAD). The available evidence is insufficient to determine the role of this variant in disease conclusively. Therefore, this variant is classified as a Variant of Uncertain Significance.

This study involves interpretation of variants in research participants for the purpose of population health screening. Participant phenotype was not available at the time of variant classification. Additional details can be found in publication PMID: 35346344, PMCID: PMC8962531